The following is an entry in ClinVar:

NM_000443.4(ABCB4):c.2844G>C (p.Met948Ile)

Gene: ABCB4 (ATP binding cassette subfamily B member 4; minus strand). Cytogenetic location: 7q21.12.
Variant type: single nucleotide variant.
Coding change: c.2844G>C on transcript NM_000443.4 (MANE Select); coding-DNA position 2844, G replaced by C.
Protein change: p.Met948Ile; replaces methionine 948 with isoleucine.
Molecular consequence: missense variant. On other transcripts: intron variant (1).
Genome position (GRCh38, 1-based): chr7:87,411,973, C>G on the plus strand (G>C on the coding strand, the complement: ABCB4 is on the minus strand). VCF-style: chr7-87411973-C-G. GRCh37 (hg19) VCF-style: chr7-87041289-C-G.
Other names: c.2844G>C, p.Met948Ile (NM_018849.3); c.2783+1644G>C (NM_018850.3); short protein forms M948I.
Identifiers: ClinVar variation 3629875 (VCV003629875.2).

ClinVar aggregate classification (germline): Uncertain significance. Review status: criteria provided, multiple submitters, no conflicts (2 of 4 stars). 2 submissions from 2 submitters: Uncertain significance (2). Last evaluated 2026-04-14.

Conditions:
Low phospholipid associated cholelithiasis (GBD1). Also called: Gallstone cholecystitis; Gallbladder disease 1. Identifiers: Orphanet 69663, MedGen C2609268, MONDO:0010939, OMIM 600803.
Familial intrahepatic cholestasis. Identifiers: Orphanet 284385, MedGen CN296401, MONDO:0017290.

gnomAD v4.1: 3 of 1,613,900 alleles (0.00019%); highest among the groups gnomAD compares: African/African-American, 0.0027%; no homozygotes.

Submissions (2):

Genomenon, Inc
Classification: Uncertain significance for Familial intrahepatic cholestasis; Low phospholipid associated cholelithiasis. Last evaluated: 2026-04-14. Review status: criteria provided, single submitter. Criteria: Genomenon Sequence Variant Interpretation Standards - Updated. Collection method: curation. Allele origin: germline. Affected: no.
Comment: ABCB4 p.Met948Ile (c.2844G>C) is a missense variant that changes the amino acid at residue 948 from Methionine to Isoleucine. This variant has been reported in the published literature (PMID:26324191). It is absent or not present at a significant frequency in gnomAD. In conclusion, we classify ABCB4 p.Met948Ile (c.2844G>C) as a variant of uncertain significance.

Women's Health and Genetics/Laboratory Corporation of America, LabCorp
Classification: Uncertain significance. Last evaluated: 2024-11-01. Review status: criteria provided, single submitter. Criteria: LabCorp Variant Classification Summary - May 2015. Collection method: clinical testing. Allele origin: germline.
Comment: Variant summary: ABCB4 c.2844G>C (p.Met948Ile) results in a conservative amino acid change located in the ABC transporter type 1, transmembrane domain (IPR011527) of the encoded protein sequence. Four of five in-silico tools predict a benign effect of the variant on protein function. The variant allele was found at a frequency of 4e-06 in 251048 control chromosomes (gnomAD). The available data on variant occurrences in the general population are insufficient to allow any conclusion about variant significance. c.2844G>C has been reported in the literature in at least one individual affected with juvenile cholelithiasis (Degiorgio_2016). These data do not allow any conclusion about variant significance. To our knowledge, no experimental evidence demonstrating an impact on protein function has been reported. The following publications have been ascertained in the context of this evaluation (PMID: 33390354, 26324191). No submitters have cited clinical-significance assessments for this variant to ClinVar. Based on the evidence outlined above, the variant was classified as uncertain significance.

Literature cited by the submitters: PubMed 26324191 (cited by Genomenon, Inc and Women's Health and Genetics/Laboratory Corporation of America, LabCorp); PubMed 33390354 (cited by Women's Health and Genetics/Laboratory Corporation of America, LabCorp).